The following is an entry in ClinVar:

ClinVar aggregate classification (germline): Conflicting classifications of pathogenicity. Review status: criteria provided, conflicting classifications (1 of 4 stars). 2 submissions from 2 submitters: Uncertain significance (1); Likely benign (1). Last evaluated 2025-06-24.

Conditions:
CFAP410-related disorder. Also called: CFAP410-related condition.

gnomAD v4.1: 215 of 1,549,946 alleles (0.014%); highest among the groups gnomAD compares: Non-Finnish European, 0.018%; no homozygotes.

Submissions (2):

PreventionGenetics, part of Exact Sciences
Classification: Uncertain significance for CFAP410-related condition. Last evaluated: 2025-06-24. Review status: criteria provided, single submitter. Criteria: ACMG Guidelines, 2015. Collection method: clinical testing. Allele origin: germline.
Comment: The CFAP410 c.832C>T variant is predicted to result in the amino acid substitution p.Arg278Cys. To our knowledge, this variant has not been reported in the literature. This variant is reported in 0.016% of alleles in individuals of European (Non-Finnish) descent in gnomAD. At this time, the clinical significance of this variant is uncertain due to the absence of conclusive functional and genetic evidence.

Blueprint Genetics
Classification: Likely benign. Last evaluated: 2024-07-04. Review status: criteria provided, single submitter. Criteria: ACMG Guidelines, 2015. Collection method: clinical testing. Allele origin: germline.

NM_004928.3(CFAP410):c.642+193C>T

Gene: CFAP410 (cilia and flagella associated protein 410; minus strand). Cytogenetic location: 21q22.3.
Variant type: single nucleotide variant.
Coding change: c.642+193C>T on transcript NM_004928.3 (MANE Select); 193 bases into the intron after coding-DNA position 642, C replaced by T.
Molecular consequence: intron variant. On other transcripts: missense variant (1).
Genome position (GRCh38, 1-based): chr21:44,330,630, G>A on the plus strand (C>T on the coding strand, the complement: CFAP410 is on the minus strand). VCF-style: chr21-44330630-G-A. GRCh37 (hg19) VCF-style: chr21-45750513-G-A.
Other names: c.832C>T, p.Arg278Cys (NM_001271441.2); c.639+193C>T (NM_001271440.2); c.516+193C>T (NM_001271442.1); c.832C>T (NM_001271441.1); short protein forms R278C.
Identifiers: ClinVar variation 4946470 (VCV004946470.2).
Genomic context (GRCh38, chr21:44,330,630, plus strand): 5'-ATTCCACAGACCAGGACAGCAGGAGAGGCTGAGGGGCCAGGACGGCTCCGTGCGGGGCAC[G>A]TGTTACACGTGTGTGCGCATTCACAGACCCGCACACGCAGCTCCCCCTGGGGCACAGCTC-3'